The following is an entry in ClinVar:

ClinVar aggregate classification (germline): Uncertain significance (1 of 4 stars; one submission).

Conditions:
Bethlem myopathy 1A. Also called: MYOPATHY, BENIGN CONGENITAL, WITH CONTRACTURES; Bethlem myopathy 1; Bethlem Muscular Dystrophy. Identifiers: Orphanet 610, MedGen CN029274, MONDO:0024530, OMIM 158810.

gnomAD v4.1: 1 of 1,614,080 alleles (0.000062%); highest among the groups gnomAD compares: Admixed American, 0.0017%; no homozygotes.

Submission:

Labcorp Genetics (formerly Invitae), Labcorp
Classification: Uncertain significance for Bethlem myopathy 1A. Last evaluated: 2024-04-25. Review status: criteria provided, single submitter. Criteria: Invitae Variant Classification Sherloc (09022015). Collection method: clinical testing. Allele origin: germline.
Comment: This sequence change replaces methionine, which is neutral and non-polar, with valine, which is neutral and non-polar, at codon 2179 of the COL6A3 protein (p.Met2179Val). This variant is not present in population databases (gnomAD no frequency). This variant has not been reported in the literature in individuals affected with COL6A3-related conditions. Algorithms developed to predict the effect of missense changes on protein structure and function output the following: SIFT: "Not Available"; PolyPhen-2: "Benign"; Align-GVGD: "Not Available". The valine amino acid residue is found in multiple mammalian species, which suggests that this missense change does not adversely affect protein function. In summary, the available evidence is currently insufficient to determine the role of this variant in disease. Therefore, it has been classified as a Variant of Uncertain Significance.

NM_004369.4(COL6A3):c.6535A>G (p.Met2179Val)

Gene: COL6A3 (collagen type VI alpha 3 chain; minus strand). Cytogenetic location: 2q37.3.
Variant type: single nucleotide variant.
Coding change: c.6535A>G on transcript NM_004369.4 (MANE Select); coding-DNA position 6535, A replaced by G.
Protein change: p.Met2179Val; replaces methionine 2179 with valine.
Molecular consequence: missense variant.
Genome position (GRCh38, 1-based): chr2:237,357,819, T>C on the plus strand (A>G on the coding strand, the complement: COL6A3 is on the minus strand). VCF-style: chr2-237357819-T-C. GRCh37 (hg19) VCF-style: chr2-238266462-T-C.
Other names: c.4714A>G, p.Met1572Val (NM_057166.5); c.5917A>G, p.Met1973Val (NM_057167.4); short protein forms M1572V, M1973V, M2179V.
Identifiers: ClinVar variation 3691171 (VCV003691171.2).
Genomic context (GRCh38, chr2:237,357,819, plus strand): 5'-GTGTGTCCTTTCTCTTGCCCTCAGTACAGGGAGAGTCTAGGAATGTGCAGCACCTTACCA[T>C]GGGGCCGAGGTCACCGGTTTCTCCTTTGGGTCCTCTCTCCTGGCTGTCTTGTCCTGGGTT-3'
Protein context (NP_004360.2, residues 2169-2189): PKGETGDLGP[Met2179Val]GVPGRDGVPG